The following is an entry in ClinVar:

ClinVar aggregate classification (germline): Pathogenic (1 of 4 stars; one submission).

Submission:

Labcorp Genetics (formerly Invitae), Labcorp
Classification: Pathogenic. Last evaluated: 2023-03-13. Review status: criteria provided, single submitter. Criteria: Invitae Variant Classification Sherloc (09022015). Collection method: clinical testing. Allele origin: germline.
Comment: This sequence change creates a premature translational stop signal (p.Asp1193Glufs*26) in the COL4A3 gene. It is expected to result in an absent or disrupted protein product. Loss-of-function variants in COL4A3 are known to be pathogenic (PMID: 8956999, 24854265, 26809805, 27281700). This variant is not present in population databases (gnomAD no frequency). This variant has not been reported in the literature in individuals affected with COL4A3-related conditions. ClinVar contains an entry for this variant (Variation ID: 1406335). For these reasons, this variant has been classified as Pathogenic.

Literature cited by the submitters: PubMed 8956999; PubMed 24854265; PubMed 26809805; PubMed 27281700.

NM_000091.5(COL4A3):c.3579_3585del (p.Asp1193fs)

Genes: COL4A3 (collagen type IV alpha 3 chain; plus strand), MFF-DT (MFF divergent transcript; minus strand). Cytogenetic location: 2q36.3.
Variant type: Deletion.
Coding change: c.3579_3585del on transcript NM_000091.5 (MANE Select); coding-DNA positions 3579 to 3585, 7 bases deleted (CAGGGGA; older notation c.3579_3585delCAGGGGA).
Protein change: p.Asp1193fs; shifts the reading frame from aspartic acid 1193.
Molecular consequence: frameshift variant.
Genome position (GRCh38, 1-based): chr2:227,297,687-227,297,693, CAGGGGA deleted; deleting any 7 consecutive bases within chr2:227,297,685-227,297,693 gives the same sequence; the c. name uses the placement nearest the transcript's 3' end. VCF-style (leftmost placement, unchanged base first): chr2-227297684-AGACAGGG-A. GRCh37 (hg19) VCF-style: chr2-228162400-AGACAGGG-A.
Other names: short protein forms D1193fs.
Identifiers: ClinVar variation 1406335 (VCV001406335.6), dbSNP rs2106246712, ClinGen allele CA2573135486.